The following is an entry in ClinVar:

NM_020379.4(MAN1C1):c.1755G>A (p.Ala585=)

Gene: MAN1C1 (mannosidase alpha class 1C member 1; plus strand). Cytogenetic location: 1p36.11.
Variant type: single nucleotide variant.
Coding change: c.1755G>A on transcript NM_020379.4 (MANE Select); coding-DNA position 1755, G replaced by A.
Protein change: p.Ala585=; no amino-acid change (alanine 585 retained).
Molecular consequence: synonymous variant.
Genome position (GRCh38, 1-based): chr1:25,782,689, G>A. VCF-style: chr1-25782689-G-A. GRCh37 (hg19) VCF-style: chr1-26109180-G-A.
Other names: c.1755G>A, p.Ala585= (NM_001289010.2); c.1857G>A, p.Ala619= (NM_001385182.1); c.1827G>A, p.Ala609= (NM_001385183.1); c.1251G>A, p.Ala417= (NM_001385184.1); c.1068G>A, p.Ala356= (NM_001385185.1).
Identifiers: ClinVar variation 3047019 (VCV003047019.2), dbSNP rs139260749, ClinGen allele CA696368.

ClinVar aggregate classification (germline): Likely benign (0 of 4 stars; one submission).

Conditions:
MAN1C1-related disorder. Also called: MAN1C1-related condition.

Allele frequency attached by ClinVar (database versions not stated): gnomAD 0.00001; gnomAD exomes 0.00002; TOPMed 0.00003; ExAC 0.00005; ESP Exome Variant Server 0.00008.
gnomAD v4.1: 38 of 1,613,490 alleles (0.0024%); highest among the groups gnomAD compares: Middle Eastern, 0.016%; no homozygotes.

Submission:

PreventionGenetics, part of Exact Sciences
Classification: Likely benign for MAN1C1-related condition. Last evaluated: 2020-08-20. Review status: no assertion criteria provided. Collection method: clinical testing. Allele origin: germline.
Comment: This variant is classified as likely benign based on ACMG/AMP sequence variant interpretation guidelines (Richards et al. 2015 PMID: 25741868, with internal and published modifications).